The following is an entry in ClinVar:

NM_030773.4(TUBB1):c.1094C>T (p.Ala365Val)

Gene: TUBB1 (tubulin beta 1 class VI; plus strand). Cytogenetic location: 20q13.32.
Variant type: single nucleotide variant.
Coding change: c.1094C>T on transcript NM_030773.4 (MANE Select); coding-DNA position 1094, C replaced by T.
Protein change: p.Ala365Val; replaces alanine 365 with valine.
Molecular consequence: missense variant.
Genome position (GRCh38, 1-based): chr20:59,024,521, C>T. VCF-style: chr20-59024521-C-T. GRCh37 (hg19) VCF-style: chr20-57599576-C-T.
Other names: short protein forms A365V.
Identifiers: ClinVar variation 2746908 (VCV002746908.3), dbSNP rs2515917920, ClinGen allele CA409468306.

ClinVar aggregate classification (germline): Uncertain significance (1 of 4 stars; one submission).

Submission:

Labcorp Genetics (formerly Invitae), Labcorp
Classification: Uncertain significance. Last evaluated: 2023-08-11. Review status: criteria provided, single submitter. Criteria: Invitae Variant Classification Sherloc (09022015). Collection method: clinical testing. Allele origin: germline.
Comment: In summary, the available evidence is currently insufficient to determine the role of this variant in disease. Therefore, it has been classified as a Variant of Uncertain Significance. Advanced modeling of protein sequence and biophysical properties (such as structural, functional, and spatial information, amino acid conservation, physicochemical variation, residue mobility, and thermodynamic stability) performed at Invitae indicates that this missense variant is not expected to disrupt TUBB1 protein function. This variant has not been reported in the literature in individuals affected with TUBB1-related conditions. This variant is not present in population databases (gnomAD no frequency). This sequence change replaces alanine, which is neutral and non-polar, with valine, which is neutral and non-polar, at codon 365 of the TUBB1 protein (p.Ala365Val).